The following is an entry in ClinVar:

ClinVar aggregate classification (germline): Uncertain significance. Review status: criteria provided, multiple submitters, no conflicts (2 of 4 stars). 2 submissions from 2 submitters: Uncertain significance (2). Last evaluated 2023-07-28.

Conditions:
Congenital diarrhea 6. Identifiers: Orphanet 314373, MedGen C3553270, MONDO:0013825, OMIM 614616.

Allele frequency attached by ClinVar (database versions not stated): gnomAD exomes 0.00001 and 0.00003; gnomAD 0.00003; ExAC 0.00004; TOPMed 0.00004; ESP Exome Variant Server 0.00008.
gnomAD v4.1: 14 of 1,613,378 alleles (0.00087%); highest among the groups gnomAD compares: African/African-American, 0.0053%; no homozygotes.

Submissions (2):

Labcorp Genetics (formerly Invitae), Labcorp
Classification: Uncertain significance. Last evaluated: 2023-07-28. Review status: criteria provided, single submitter. Criteria: Invitae Variant Classification Sherloc (09022015). Collection method: clinical testing. Allele origin: germline.
Comment: In summary, the available evidence is currently insufficient to determine the role of this variant in disease. Therefore, it has been classified as a Variant of Uncertain Significance. Advanced modeling of protein sequence and biophysical properties (such as structural, functional, and spatial information, amino acid conservation, physicochemical variation, residue mobility, and thermodynamic stability) performed at Invitae indicates that this missense variant is expected to disrupt GUCY2C protein function. ClinVar contains an entry for this variant (Variation ID: 1031485). This variant has not been reported in the literature in individuals affected with GUCY2C-related conditions. This variant is present in population databases (rs371835339, gnomAD 0.03%). This sequence change replaces tyrosine, which is neutral and polar, with cysteine, which is neutral and slightly polar, at codon 760 of the GUCY2C protein (p.Tyr760Cys).

Baylor Genetics
Classification: Uncertain significance for Congenital diarrhea 6. Last evaluated: 2018-03-19. Review status: criteria provided, single submitter. Criteria: ACMG Guidelines, 2015. Collection method: clinical testing. Allele origin: maternal. Affected: yes.
Comment: This variant was determined to be of uncertain significance according to ACMG Guidelines, 2015 [PMID:25741868].

NM_004963.4(GUCY2C):c.2279A>G (p.Tyr760Cys)

Gene: GUCY2C (guanylate cyclase 2C; minus strand). Cytogenetic location: 12p12.3.
Variant type: single nucleotide variant.
Coding change: c.2279A>G on transcript NM_004963.4 (MANE Select); coding-DNA position 2279, A replaced by G.
Protein change: p.Tyr760Cys; replaces tyrosine 760 with cysteine.
Molecular consequence: missense variant.
Genome position (GRCh38, 1-based): chr12:14,625,886, T>C on the plus strand (A>G on the coding strand, the complement: GUCY2C is on the minus strand). VCF-style: chr12-14625886-T-C. GRCh37 (hg19) VCF-style: chr12-14778820-T-C.
Other names: short protein forms Y760C.
Identifiers: ClinVar variation 1031485 (VCV001031485.4), dbSNP rs371835339, ClinGen allele CA6463101.